The following is an entry in ClinVar:

NM_001164508.2(NEB):c.7706A>C (p.Glu2569Ala)

Gene: NEB (nebulin; minus strand). Cytogenetic location: 2q23.3.
Variant type: single nucleotide variant.
Coding change: c.7706A>C on transcript NM_001164508.2 (MANE Select); coding-DNA position 7706, A replaced by C.
Protein change: p.Glu2569Ala; replaces glutamic acid 2569 with alanine.
Molecular consequence: missense variant.
Genome position (GRCh38, 1-based): chr2:151,644,068, T>G on the plus strand (A>C on the coding strand, the complement: NEB is on the minus strand). VCF-style: chr2-151644068-T-G. GRCh37 (hg19) VCF-style: chr2-152500582-T-G.
Other names: c.7706A>C, p.Glu2569Ala (NM_001164507.2, NM_001271208.2, NM_004543.5); short protein forms E2569A.
Identifiers: ClinVar variation 2043012 (VCV002043012.1), dbSNP rs1454962741, ClinGen allele CA348782693.

ClinVar aggregate classification (germline): Uncertain significance (1 of 4 stars; one submission).

Conditions:
Nemaline myopathy 2 (NEM2). Also called: Nemaline myopathy 2, autosomal recessive. Identifiers: MedGen C1850569, MONDO:0009725, OMIM 256030.

Allele frequency attached by ClinVar (database versions not stated): gnomAD 0.00001; TOPMed 0.00001.
gnomAD v4.1: 2 of 1,613,896 alleles (0.00012%); highest among the groups gnomAD compares: African/African-American, 0.0027%; no homozygotes.

Submission:

Labcorp Genetics (formerly Invitae), Labcorp
Classification: Uncertain significance for Nemaline myopathy 2. Last evaluated: 2022-03-16. Review status: criteria provided, single submitter. Criteria: Invitae Variant Classification Sherloc (09022015). Collection method: clinical testing. Allele origin: germline.
Comment: This sequence change replaces glutamic acid, which is acidic and polar, with alanine, which is neutral and non-polar, at codon 2569 of the NEB protein (p.Glu2569Ala). This variant is present in population databases (no rsID available, gnomAD 0.02%). This variant has not been reported in the literature in individuals affected with NEB-related conditions. Algorithms developed to predict the effect of missense changes on protein structure and function are either unavailable or do not agree on the potential impact of this missense change (SIFT: "Tolerated"; PolyPhen-2: "Not Available"; Align-GVGD: "Class C0"). In summary, the available evidence is currently insufficient to determine the role of this variant in disease. Therefore, it has been classified as a Variant of Uncertain Significance.